The following is an entry in ClinVar:

ClinVar aggregate classification (germline): Conflicting classifications of pathogenicity. Review status: criteria provided, conflicting classifications (1 of 4 stars). 2 submissions from 2 submitters: Uncertain significance (1); Likely benign (1). Last evaluated 2025-12-22.

Conditions:
Inborn genetic diseases. Identifiers: MedGen C0950123, MeSH D030342.

gnomAD v4.1: 5 of 1,204,248 alleles (0.00042%); highest among the groups gnomAD compares: Non-Finnish European, 0.00056%; no homozygotes.

Submissions (2):

Ambry Genetics
Classification: Uncertain significance for Inborn genetic diseases. Last evaluated: 2025-12-22. Review status: criteria provided, single submitter. Criteria: Ambry Variant Classification Scheme 2023. Collection method: clinical testing. Allele origin: germline.

CeGaT Center for Human Genetics Tuebingen
Classification: Likely benign. Last evaluated: 2025-09-01. Review status: criteria provided, single submitter. Criteria: CeGaT Center For Human Genetics Tuebingen Variant Classification Criteria Version 2. Collection method: clinical testing. Allele origin: germline. Affected: yes. Observed: 1 variant allele.
Comment: TEX11: BP4, BS2

NM_031276.3(TEX11):c.962A>G (p.Asp321Gly)

Gene: TEX11 (testis expressed 11; minus strand). Cytogenetic location: Xq13.1.
Variant type: single nucleotide variant.
Coding change: c.962A>G on transcript NM_031276.3 (MANE Select); coding-DNA position 962, A replaced by G.
Protein change: p.Asp321Gly; replaces aspartic acid 321 with glycine.
Molecular consequence: missense variant.
Genome position (GRCh38, 1-based): chrX:70,722,660, T>C on the plus strand (A>G on the coding strand, the complement: TEX11 is on the minus strand). VCF-style: chrX-70722660-T-C. GRCh37 (hg19) VCF-style: chrX-69942510-T-C.
Other names: c.1007A>G, p.Asp336Gly (NM_001003811.2); c.1007A>G (NM_001003811.1); short protein forms D321G, D336G.
Identifiers: ClinVar variation 4280991 (VCV004280991.7).